The following is an entry in ClinVar:

NM_172107.4(KCNQ2):c.7C>G (p.Gln3Glu)

Gene: KCNQ2 (potassium voltage-gated channel subfamily Q member 2; minus strand). Cytogenetic location: 20q13.33.
Variant type: single nucleotide variant.
Coding change: c.7C>G on transcript NM_172107.4 (MANE Select); coding-DNA position 7, C replaced by G.
Protein change: p.Gln3Glu; replaces glutamine 3 with glutamic acid.
Molecular consequence: missense variant.
Genome position (GRCh38, 1-based): chr20:63,472,457, G>C on the plus strand (C>G on the coding strand, the complement: KCNQ2 is on the minus strand). VCF-style: chr20-63472457-G-C. GRCh37 (hg19) VCF-style: chr20-62103810-G-C.
Other names: c.7C>G (NM_172107.2); c.7C>G, p.Gln3Glu (NM_001382235.1, NM_004518.6, NM_172106.3 and 2 more transcripts); short protein forms Q3E.
Identifiers: ClinVar variation 1679606 (VCV001679606.8), dbSNP rs868642147, ClinGen allele CA409636337.
Genomic context (GRCh38, chr20:63,472,457, plus strand): 5'-CCACCTTCAGCTTCTTCTCCCCGCTCGGGCCGGGGTATACGCCGCCGTTGCGCGACTTCT[G>C]CACCATGGTGCCTGGCGGGAGGCGCCCCGGGTCGGGCTCAGGCTCAGCGGGGGCGGAGCG-3'
Protein context (NP_742105.1, residues 1-13): MV[Gln3Glu]KSRNGGVYPG

ClinVar aggregate classification (germline): Uncertain significance. Review status: criteria provided, multiple submitters, no conflicts (2 of 4 stars). 3 submissions from 3 submitters: Uncertain significance (3). Last evaluated 2026-03-02.

Conditions:
Developmental and epileptic encephalopathy, 7 (DEE7). Also called: KCNQ2-Related Neonatal-Onset Developmental and Epileptic Encephalopathy (NEO-DEE); Early infantile epileptic encephalopathy 7; KCNQ2-Related Neonatal Epileptic Encephalopathy. Identifiers: Orphanet 439218, MedGen C3150986, MONDO:0013387, OMIM 613720.
Seizures, benign familial neonatal, 1. Also called: Benign Neonatal Epilepsy 1; KCNQ2-Related Self-Limited Familial Neonatal Epilepsy (SLFNE); Seizures, benign neonatal, 1; KCNQ2-Related Benign Familial Neonatal Epilepsy. Identifiers: Orphanet 1949, MedGen C3149074, MONDO:0007365, OMIM 121200.
Early-infantile DEE. Also called: Ohtahara syndrome; Early infantile epileptic encephalopathy with suppression bursts; Early infantile epileptic encephalopathy. Identifiers: Orphanet 1934, MedGen C0393706, MONDO:0800491.
Inborn genetic diseases. Identifiers: MedGen C0950123, MeSH D030342.

Allele frequency attached by ClinVar (database versions not stated): gnomAD 0.00001; gnomAD exomes 0.00001 and 0.00004; TOPMed 0.00001.
gnomAD v4.1: 12 of 1,511,476 alleles (0.00079%); highest among the groups gnomAD compares: Non-Finnish European, 0.00018%; no homozygotes.

Submissions (3):

Ambry Genetics
Classification: Uncertain significance for Inborn genetic diseases. Last evaluated: 2026-03-02. Review status: criteria provided, single submitter. Criteria: Ambry Variant Classification Scheme 2023. Collection method: clinical testing. Allele origin: germline.
Comment: The c.7C>G (p.Q3E) alteration is located in exon 1 (coding exon 1) of the KCNQ2 gene. This alteration results from a C to G substitution at nucleotide position 7, causing the glutamine (Q) at amino acid position 3 to be replaced by a glutamic acid (E). Based on data from gnomAD, the G allele has an overall frequency of 0.004% (4/113466) total alleles studied. The highest observed frequency was 0.042% (3/7208) of Ashkenazi Jewish alleles. Based on insufficient or conflicting evidence, the clinical significance of this alteration remains unclear.

Labcorp Genetics (formerly Invitae), Labcorp
Classification: Uncertain significance for Early-infantile DEE. Last evaluated: 2022-07-15. Review status: criteria provided, single submitter. Criteria: Invitae Variant Classification Sherloc (09022015). Collection method: clinical testing. Allele origin: germline.
Comment: This sequence change replaces glutamine, which is neutral and polar, with glutamic acid, which is acidic and polar, at codon 3 of the KCNQ2 protein (p.Gln3Glu). The frequency data for this variant in the population databases is considered unreliable, as metrics indicate poor data quality at this position in the gnomAD database. This variant has not been reported in the literature in individuals affected with KCNQ2-related conditions. ClinVar contains an entry for this variant (Variation ID: 1679606). Algorithms developed to predict the effect of missense changes on protein structure and function are either unavailable or do not agree on the potential impact of this missense change (SIFT: "Deleterious"; PolyPhen-2: "Benign"; Align-GVGD: "Class C0"). In summary, the available evidence is currently insufficient to determine the role of this variant in disease. Therefore, it has been classified as a Variant of Uncertain Significance.

New York Genome Center
Classification: Uncertain significance for Developmental and epileptic encephalopathy, 7; Seizures, benign familial neonatal, 1. Last evaluated: 2021-05-20. Review status: criteria provided, single submitter. Criteria: NYGC Assertion Criteria 2020. Collection method: clinical testing. Allele origin: inherited. Observed: 1 heterozygote. Study: CSER-NYCKidSeq.